The following is an entry in ClinVar:

NM_001572.5(IRF7):c.784G>C (p.Glu262Gln)

Gene: IRF7 (interferon regulatory factor 7; minus strand). Cytogenetic location: 11p15.5.
Variant type: single nucleotide variant.
Coding change: c.784G>C on transcript NM_001572.5 (MANE Select); coding-DNA position 784, G replaced by C.
Protein change: p.Glu262Gln; replaces glutamic acid 262 with glutamine.
Molecular consequence: missense variant.
Genome position (GRCh38, 1-based): chr11:613,848, C>G on the plus strand (G>C on the coding strand, the complement: IRF7 is on the minus strand). VCF-style: chr11-613848-C-G. GRCh37 (hg19) VCF-style: chr11-613848-C-G.
Other names: c.697G>C, p.Glu233Gln (NM_004029.4); c.823G>C, p.Glu275Gln (NM_004031.4); short protein forms E275Q, E233Q, E262Q.
Identifiers: ClinVar variation 1946714 (VCV001946714.5), dbSNP rs2493913714, ClinGen allele CA378979943.

ClinVar aggregate classification (germline): Uncertain significance (1 of 4 stars; one submission).

Conditions:
Immunodeficiency 39 (IMD39). Identifiers: Orphanet 574918, MedGen C4225358, MONDO:0014597, OMIM 616345.

Submission:

Labcorp Genetics (formerly Invitae), Labcorp
Classification: Uncertain significance for Immunodeficiency 39. Last evaluated: 2022-02-02. Review status: criteria provided, single submitter. Criteria: Invitae Variant Classification Sherloc (09022015). Collection method: clinical testing. Allele origin: germline.
Comment: This sequence change replaces glutamic acid, which is acidic and polar, with glutamine, which is neutral and polar, at codon 275 of the IRF7 protein (p.Glu275Gln). This variant is not present in population databases (gnomAD no frequency). This variant has not been reported in the literature in individuals affected with IRF7-related conditions. Algorithms developed to predict the effect of missense changes on protein structure and function output the following: SIFT: "Deleterious"; PolyPhen-2: "Benign"; Align-GVGD: "Class C0". The glutamine amino acid residue is found in multiple mammalian species, which suggests that this missense change does not adversely affect protein function. In summary, the available evidence is currently insufficient to determine the role of this variant in disease. Therefore, it has been classified as a Variant of Uncertain Significance.